The following is an entry in ClinVar:

NM_000038.6(APC):c.2803_2804insC (p.Tyr935fs)

Gene: APC (APC regulator of Wnt signaling pathway; plus strand). Cytogenetic location: 5q22.2.
Variant type: Insertion.
Coding change: c.2803_2804insC on transcript NM_000038.6 (MANE Select); coding-DNA positions 2803 to 2804, C inserted.
Protein change: p.Tyr935fs; shifts the reading frame from tyrosine 935.
Molecular consequence: frameshift variant. On other transcripts: non-coding transcript variant (2).
Genome position: GRCh38 VCF-style: chr5-112838397-T-TC. GRCh37 (hg19) VCF-style: chr5-112174094-T-TC.
Other names: c.2554_2555insC, p.Tyr852fs (NM_001407454.1, NM_001407455.1, NM_001407456.1 and 1 more transcripts); c.2500_2501insC, p.Tyr834fs (NM_001407458.1, NM_001407459.1, NM_001407460.1 and 1 more transcripts); c.2416_2417insC, p.Tyr806fs (NM_001407467.1, NM_001407469.1); c.1954_1955insC, p.Tyr652fs (NM_001407470.1, NM_001354906.2); c.1651_1652insC, p.Tyr551fs (NM_001407471.1, NM_001407472.1); c.2803_2804insC, p.Tyr935fs (NM_001127510.3, NM_001354895.2, NM_001407450.1); c.2749_2750insC, p.Tyr917fs (NM_001127511.3); c.2857_2858insC, p.Tyr953fs (NM_001354896.2, NM_001407447.1, NM_001407448.1 and 1 more transcripts); and 11 more; short protein forms Y852fs, Y894fs, Y910fs, Y963fs, Y652fs, Y806fs, Y928fs, Y953fs.
Identifiers: ClinVar variation 4585472 (VCV004585472.1).

ClinVar aggregate classification (germline): Pathogenic (1 of 4 stars; one submission).

Conditions:
Hereditary cancer-predisposing syndrome. Also called: Neoplastic Syndromes, Hereditary; Tumor predisposition; Hereditary Cancer Syndrome; Hereditary neoplastic syndrome. Identifiers: Orphanet 140162, MedGen C0027672, MeSH D009386, MONDO:0015356.

Submission:

Ambry Genetics
Classification: Pathogenic for Hereditary cancer-predisposing syndrome. Last evaluated: 2025-10-23. Review status: criteria provided, single submitter. Criteria: Ambry Variant Classification Scheme 2023. Collection method: clinical testing. Allele origin: germline.
Comment: The c.2803_2804insC pathogenic mutation, located in coding exon 15 of the APC gene, results from an insertion of one nucleotide at position 2803, causing a translational frameshift with a predicted alternate stop codon (p.Y935Sfs*5). This alteration occurs at the 3' terminus of the gene, is not expected to trigger nonsense-mediated mRNA decay, and impacts the last 67% of the protein. However, premature stop codons are typically deleterious in nature, the impacted region is critical for protein function, and a significant portion of the protein is affected (Ambry internal data). This variant was reported in individual(s) with features consistent with APC-related familial adenomatous polyposis (Ambry internal data). This variant is considered to be rare based on population cohorts in the Genome Aggregation Database (gnomAD). As such, this alteration is interpreted as a disease-causing mutation.